The following is an entry in ClinVar:

ClinVar aggregate classification (germline): Uncertain significance. Review status: criteria provided, multiple submitters, no conflicts (2 of 4 stars). 2 submissions from 2 submitters: Uncertain significance (2). Last evaluated 2025-10-25.

Conditions:
Inborn genetic diseases. Identifiers: MedGen C0950123, MeSH D030342.

Allele frequency attached by ClinVar (database versions not stated): gnomAD 0.00001; gnomAD exomes 0.00001; TOPMed 0.00002; ExAC 0.00003.
gnomAD v4.1: 14 of 1,564,774 alleles (0.00089%); highest among the groups gnomAD compares: Admixed American, 0.023%; no homozygotes.

Submissions (2):

Ambry Genetics
Classification: Uncertain significance for Inborn genetic diseases. Last evaluated: 2025-10-25. Review status: criteria provided, single submitter. Criteria: Ambry Variant Classification Scheme 2023. Collection method: clinical testing. Allele origin: germline.

Labcorp Genetics (formerly Invitae), Labcorp
Classification: Uncertain significance. Last evaluated: 2025-04-29. Review status: criteria provided, single submitter. Criteria: Invitae Variant Classification Sherloc (09022015). Collection method: clinical testing. Allele origin: germline.
Comment: This sequence change replaces histidine, which is basic and polar, with glutamine, which is neutral and polar, at codon 648 of the POLR3B protein (p.His648Gln). This variant is present in population databases (rs770284337, gnomAD 0.04%). This variant has not been reported in the literature in individuals affected with POLR3B-related conditions. ClinVar contains an entry for this variant (Variation ID: 2081772). Invitae Evidence Modeling of protein sequence and biophysical properties (such as structural, functional, and spatial information, amino acid conservation, physicochemical variation, residue mobility, and thermodynamic stability) indicates that this missense variant is not expected to disrupt POLR3B protein function with a negative predictive value of 80%. In summary, the available evidence is currently insufficient to determine the role of this variant in disease. Therefore, it has been classified as a Variant of Uncertain Significance.

NM_018082.6(POLR3B):c.1944C>A (p.His648Gln)

Gene: POLR3B (RNA polymerase III subunit B; plus strand). Cytogenetic location: 12q23.3.
Variant type: single nucleotide variant.
Coding change: c.1944C>A on transcript NM_018082.6 (MANE Select); coding-DNA position 1944, C replaced by A.
Protein change: p.His648Gln; replaces histidine 648 with glutamine.
Molecular consequence: missense variant.
Genome position (GRCh38, 1-based): chr12:106,437,768, C>A. VCF-style: chr12-106437768-C-A. GRCh37 (hg19) VCF-style: chr12-106831546-C-A.
Other names: c.1770C>A, p.His590Gln (NM_001160708.2); c.1944C>A (NM_018082.5); short protein forms H590Q, H648Q.
Identifiers: ClinVar variation 2081772 (VCV002081772.5), dbSNP rs770284337, ClinGen allele CA6762066.